The following is an entry in ClinVar:

ClinVar aggregate classification (germline): Conflicting classifications of pathogenicity. Review status: criteria provided, conflicting classifications (1 of 4 stars). 2 submissions from 2 submitters: Uncertain significance (1); Likely benign (1). Last evaluated 2023-09-17.

Conditions:
Familial cancer of breast. Also called: hereditary breast carcinoma; BREAST CANCER, FAMILIAL; Hereditary breast cancer. Identifiers: Orphanet 227535, MedGen C0346153, MONDO:0016419, OMIM 114480. Disease mechanism: loss of function.
Hereditary cancer-predisposing syndrome. Also called: Neoplastic Syndromes, Hereditary; Tumor predisposition; Hereditary Cancer Syndrome; Hereditary neoplastic syndrome. Identifiers: Orphanet 140162, MedGen C0027672, MeSH D009386, MONDO:0015356.

Submissions (2):

Labcorp Genetics (formerly Invitae), Labcorp
Classification: Uncertain significance for Familial cancer of breast. Last evaluated: 2023-09-17. Review status: criteria provided, single submitter. Criteria: Invitae Variant Classification Sherloc (09022015). Collection method: clinical testing. Allele origin: germline.
Comment: This sequence change replaces proline, which is neutral and non-polar, with serine, which is neutral and polar, at codon 508 of the PALB2 protein (p.Pro508Ser). This variant is not present in population databases (gnomAD no frequency). This variant has not been reported in the literature in individuals affected with PALB2-related conditions. ClinVar contains an entry for this variant (Variation ID: 652653). Advanced modeling of protein sequence and biophysical properties (such as structural, functional, and spatial information, amino acid conservation, physicochemical variation, residue mobility, and thermodynamic stability) performed at Invitae indicates that this missense variant is not expected to disrupt PALB2 protein function. In summary, the available evidence is currently insufficient to determine the role of this variant in disease. Therefore, it has been classified as a Variant of Uncertain Significance.

Ambry Genetics
Classification: Likely benign for Hereditary cancer-predisposing syndrome. Last evaluated: 2019-11-12. Review status: criteria provided, single submitter. Criteria: Ambry Variant Classification Scheme 2023. Collection method: clinical testing. Allele origin: germline.

NM_024675.4(PALB2):c.1522C>T (p.Pro508Ser)

Gene: PALB2 (partner and localizer of BRCA2; minus strand). Cytogenetic location: 16p12.2.
Variant type: single nucleotide variant.
Coding change: c.1522C>T on transcript NM_024675.4 (MANE Select); coding-DNA position 1522, C replaced by T.
Protein change: p.Pro508Ser; replaces proline 508 with serine.
Molecular consequence: missense variant.
Genome position (GRCh38, 1-based): chr16:23,635,024, G>A on the plus strand (C>T on the coding strand, the complement: PALB2 is on the minus strand). VCF-style: chr16-23635024-G-A. GRCh37 (hg19) VCF-style: chr16-23646345-G-A.
Other names: short protein forms P508S.
Identifiers: ClinVar variation 652653 (VCV000652653.16), dbSNP rs1597095773, ClinGen allele CA395130967.
Genomic context (GRCh38, chr16:23,635,024, plus strand): 5'-CACAATGATCTGATGCTGGGGTGCAGGCTGATTTTCTTTTTCCTGTGTATCTTCTACCAG[G>A]TGCTTGGGCAACTGCCTTCCTAGACAAGTCATTATCTTCAGTGGGCCCAGCGGGAGAGCT-3'
Protein context (NP_078951.2, residues 498-518): DLSRKAVAQA[Pro508Ser]GRRYTGKRKS